The following is an entry in ClinVar:

ClinVar aggregate classification (germline): Uncertain significance (1 of 4 stars; one submission).

Conditions:
Gastrointestinal stromal tumor. Also called: Gastrointestinal stromal tumor, somatic; Gastrointestinal stroma tumor. Identifiers: Orphanet 44890, MedGen C0238198, MeSH D046152, MONDO:0011719, OMIM 606764, HP:0100723.

Submission:

Labcorp Genetics (formerly Invitae), Labcorp
Classification: Uncertain significance for Gastrointestinal stromal tumor. Last evaluated: 2023-03-27. Review status: criteria provided, single submitter. Criteria: Invitae Variant Classification Sherloc (09022015). Collection method: clinical testing. Allele origin: germline.
Comment: This variant has not been reported in the literature in individuals affected with KIT-related conditions. This sequence change replaces valine, which is neutral and non-polar, with alanine, which is neutral and non-polar, at codon 64 of the KIT protein (p.Val64Ala). This variant is not present in population databases (gnomAD no frequency). Algorithms developed to predict the effect of missense changes on protein structure and function output the following: SIFT: "Not Available"; PolyPhen-2: "Possibly Damaging"; Align-GVGD: "Not Available". The alanine amino acid residue is found in multiple mammalian species, which suggests that this missense change does not adversely affect protein function. In summary, the available evidence is currently insufficient to determine the role of this variant in disease. Therefore, it has been classified as a Variant of Uncertain Significance.

NM_000222.3(KIT):c.191T>C (p.Val64Ala)

Gene: KIT (KIT proto-oncogene, receptor tyrosine kinase; plus strand). Cytogenetic location: 4q12.
Variant type: single nucleotide variant.
Coding change: c.191T>C on transcript NM_000222.3 (MANE Select); coding-DNA position 191, T replaced by C.
Protein change: p.Val64Ala; replaces valine 64 with alanine.
Molecular consequence: missense variant.
Genome position (GRCh38, 1-based): chr4:54,695,635, T>C. VCF-style: chr4-54695635-T-C. GRCh37 (hg19) VCF-style: chr4-55561801-T-C.
Other names: c.191T>C, p.Val64Ala (NM_001093772.2, NM_001385284.1, NM_001385285.1 and 4 more transcripts); short protein forms V64A.
Identifiers: ClinVar variation 2850105 (VCV002850105.3), dbSNP rs2109661494, ClinGen allele CA356897023.